The following is an entry in ClinVar:

NM_001065.4(TNFRSF1A):c.428G>C (p.Cys143Ser)

Gene: TNFRSF1A (TNF receptor superfamily member 1A; minus strand). Cytogenetic location: 12p13.31.
Variant type: single nucleotide variant.
Coding change: c.428G>C on transcript NM_001065.4 (MANE Select); coding-DNA position 428, G replaced by C.
Protein change: p.Cys143Ser; replaces cysteine 143 with serine.
Molecular consequence: missense variant. On other transcripts: 5 prime UTR variant (1), non-coding transcript variant (1).
Genome position (GRCh38, 1-based): chr12:6,333,411, C>G on the plus strand (G>C on the coding strand, the complement: TNFRSF1A is on the minus strand). VCF-style: chr12-6333411-C-G. GRCh37 (hg19) VCF-style: chr12-6442577-C-G.
Other names: c.104G>C, p.Cys35Ser (NM_001346091.2); c.-150G>C (NM_001346092.2); short protein forms C35S, C143S.
Identifiers: ClinVar variation 848743 (VCV000848743.9), dbSNP rs1948077694, ClinGen allele CA383549981.

ClinVar aggregate classification (germline): Uncertain significance (1 of 4 stars; one submission).

Conditions:
TNF receptor-associated periodic fever syndrome (TRAPS) (FPF). Also called: TNF RECEPTOR-ASSOCIATED PERIODIC SYNDROME; TUMOR NECROSIS FACTOR RECEPTOR-ASSOCIATED PERIODIC SYNDROME; FAMILIAL HIBERNIAN FEVER; TNF receptor 1-associated periodic fever syndrome; TNF Receptor-Associated Periodic Fever Syndrome; Autosomal Dominant Familial Periodic Fever. Identifiers: Orphanet 32960, MedGen C1275126, MONDO:0007727, OMIM 142680.

Submission:

Labcorp Genetics (formerly Invitae), Labcorp
Classification: Uncertain significance for TNF receptor-associated periodic fever syndrome (TRAPS). Last evaluated: 2025-11-08. Review status: criteria provided, single submitter. Criteria: Invitae Variant Classification Sherloc (09022015). Collection method: clinical testing. Allele origin: germline.
Comment: This sequence change replaces cysteine, which is neutral and slightly polar, with serine, which is neutral and polar, at codon 143 of the TNFRSF1A protein (p.Cys143Ser). This variant is not present in population databases (gnomAD no frequency). This missense change has been observed in individual(s) with clinical features of TNFR-associated periodic syndrome (TRAPS) (internal data). ClinVar contains an entry for this variant (Variation ID: 848743). Invitae Evidence Modeling of protein sequence and biophysical properties (such as structural, functional, and spatial information, amino acid conservation, physicochemical variation, residue mobility, and thermodynamic stability) indicates that this missense variant is expected to disrupt TNFRSF1A protein function with a positive predictive value of 80%. In summary, the available evidence is currently insufficient to determine the role of this variant in disease. Therefore, it has been classified as a Variant of Uncertain Significance.